The following is an entry in ClinVar:

NM_003128.3(SPTBN1):c.475-1G>T

Gene: SPTBN1 (spectrin beta, non-erythrocytic 1; plus strand). Cytogenetic location: 2p16.2.
Variant type: single nucleotide variant.
Coding change: c.475-1G>T on transcript NM_003128.3 (MANE Select); the canonical splice acceptor site of the intron before coding-DNA position 475, G replaced by T.
Molecular consequence: splice acceptor variant.
Genome position (GRCh38, 1-based): chr2:54,616,206, G>T. VCF-style: chr2-54616206-G-T. GRCh37 (hg19) VCF-style: chr2-54843343-G-T.
Other names: c.436-1G>T (NM_178313.3).
Identifiers: ClinVar variation 4879436 (VCV004879436.1).

ClinVar aggregate classification (germline): Likely pathogenic (1 of 4 stars; one submission).

Conditions:
Developmental delay, impaired speech, and behavioral abnormalities. Identifiers: MedGen C5561957, MONDO:0859178, OMIM 619475.

Submission:

Institute of Human Genetics, University of Leipzig Medical Center
Classification: Likely pathogenic for Developmental delay, impaired speech, and behavioral abnormalities. Last evaluated: 2026-07-14. Review status: criteria provided, single submitter. Criteria: ACMG Guidelines, 2015. Collection method: clinical testing. Allele origin: de novo. Inheritance: Autosomal dominant inheritance. Affected: yes.
Comment: Criteria applied: PVS1_STR, PS2_MOD, PM2